The following is an entry in ClinVar:

NM_138576.4(BCL11B):c.2275C>A (p.Leu759Met)

Gene: BCL11B (BCL11 transcription factor B; minus strand). Cytogenetic location: 14q32.2.
Variant type: single nucleotide variant.
Coding change: c.2275C>A on transcript NM_138576.4 (MANE Select); coding-DNA position 2275, C replaced by A.
Protein change: p.Leu759Met; replaces leucine 759 with methionine.
Molecular consequence: missense variant.
Genome position (GRCh38, 1-based): chr14:99,174,561, G>T on the plus strand (C>A on the coding strand, the complement: BCL11B is on the minus strand). VCF-style: chr14-99174561-G-T. GRCh37 (hg19) VCF-style: chr14-99640898-G-T.
Other names: c.2272C>A, p.Leu758Met (NM_001282237.2); c.2059C>A, p.Leu687Met (NM_001282238.2); c.2062C>A, p.Leu688Met (NM_022898.3); short protein forms L687M, L688M, L758M, L759M.
Identifiers: ClinVar variation 3600847 (VCV003600847.1).

ClinVar aggregate classification (germline): Uncertain significance (1 of 4 stars; one submission).

Submission:

GeneDx
Classification: Uncertain significance. Last evaluated: 2024-07-24. Review status: criteria provided, single submitter. Criteria: GeneDx Variant Classification Process June 2021. Collection method: clinical testing. Allele origin: germline. Affected: yes.
Comment: Not observed at significant frequency in large population cohorts (gnomAD); In silico analysis indicates that this missense variant does not alter protein structure/function; Has not been previously published as pathogenic or benign to our knowledge